The following is an entry in ClinVar:

ClinVar aggregate classification (germline): Uncertain significance (1 of 4 stars; one submission).

Conditions:
BICRA-related disorder. Also called: BICRA-related condition.

Submission:

PreventionGenetics, part of Exact Sciences
Classification: Uncertain significance for BICRA-related condition. Last evaluated: 2023-09-12. Review status: criteria provided, single submitter. Criteria: ACMG Guidelines, 2015. Collection method: clinical testing. Allele origin: germline.
Comment: The BICRA c.4267G>T variant is predicted to result in premature protein termination (p.Glu1423*). This variant is located in the final exon of BICRA and is not predicted to undergo nonsense mediated decay. To our knowledge, this variant has not been reported in the literature or in a large population database, indicating this variant is rare. To our knowledge, only one truncating variant has been reported downstream of this variant (p.Gln1457* in Barish et al. 2020. PubMed ID: 33232675). Although we suspect that this variant may be pathogenic, at this time, the clinical significance of this variant is uncertain due to the absence of conclusive functional and genetic evidence.

NM_001394372.1(BICRA):c.4267G>T (p.Glu1423Ter)

Gene: BICRA (BRD4 interacting chromatin remodeling complex associated protein; plus strand). Cytogenetic location: 19q13.33.
Variant type: single nucleotide variant.
Coding change: c.4267G>T on transcript NM_001394372.1 (MANE Select); coding-DNA position 4267, G replaced by T.
Protein change: p.Glu1423Ter; replaces glutamic acid 1423 with a stop codon.
Molecular consequence: nonsense.
Genome position (GRCh38, 1-based): chr19:47,701,999, G>T. VCF-style: chr19-47701999-G-T. GRCh37 (hg19) VCF-style: chr19-48205256-G-T.
Other names: c.4267G>T, p.Glu1423Ter (NM_015711.3); short protein forms E1423*.
Identifiers: ClinVar variation 2630711 (VCV002630711.1), dbSNP rs1184099817, ClinGen allele CA406615441.